The following is an entry in ClinVar:

ClinVar aggregate classification (germline): Benign (0 of 4 stars; one submission).

Conditions:
COG6-related disorder.

Submission:

PreventionGenetics, part of Exact Sciences
Classification: Benign for COG6-related condition. Last evaluated: 2020-04-10. Review status: no assertion criteria provided. Collection method: clinical testing. Allele origin: germline.
Comment: This variant is classified as benign based on ACMG/AMP sequence variant interpretation guidelines (Richards et al. 2015 PMID: 25741868, with internal and published modifications).

NM_020751.3(COG6):c.1693-8_1693-7del

Gene: COG6 (component of oligomeric golgi complex 6; plus strand). Cytogenetic location: 13q14.11.
Variant type: Deletion.
Coding change: c.1693-8_1693-7del on transcript NM_020751.3 (MANE Select); 8 bases into the intron before coding-DNA position 1693 through 7 bases into the intron before coding-DNA position 1693, 2 bases deleted (TT; older notation c.1693-8_1693-7delTT).
Molecular consequence: intron variant.
Genome position (GRCh38, 1-based): chr13:39,724,500-39,724,501, TT deleted; deleting any 2 consecutive bases within chr13:39,724,484-39,724,501 gives the same sequence; the c. name uses the placement nearest the transcript's 3' end. VCF-style (leftmost placement, unchanged base first): chr13-39724483-CTT-C. GRCh37 (hg19) VCF-style: chr13-40298620-CTT-C.
Other names: c.1693-8_1693-7del (NM_001145079.2).
Identifiers: ClinVar variation 3059516 (VCV003059516.2), dbSNP rs58666375, ClinGen allele CA6958745.